The following is an entry in ClinVar:

ClinVar aggregate classification (germline): Likely benign (1 of 4 stars; one submission).

gnomAD v4.1: 71 of 1,613,856 alleles (0.0044%); highest among the groups gnomAD compares: Middle Eastern, 0.016%; no homozygotes.

Submission:

CeGaT Center for Human Genetics Tuebingen
Classification: Likely benign. Last evaluated: 2026-04-01. Review status: criteria provided, single submitter. Criteria: CeGaT Center For Human Genetics Tuebingen Variant Classification Criteria Version 2. Collection method: clinical testing. Allele origin: germline. Affected: yes. Observed: 1 variant allele.
Comment: RIC1: BP4, BP7

NM_020829.4(RIC1):c.2865T>C (p.Ser955=)

Gene: RIC1 (RIC1 partner of RAB6A GEF complex; plus strand). Cytogenetic location: 9p24.1.
Variant type: single nucleotide variant.
Coding change: c.2865T>C on transcript NM_020829.4 (MANE Select); coding-DNA position 2865, T replaced by C.
Protein change: p.Ser955=; no amino-acid change (serine 955 retained).
Molecular consequence: synonymous variant.
Genome position (GRCh38, 1-based): chr9:5,765,437, T>C. VCF-style: chr9-5765437-T-C. GRCh37 (hg19) VCF-style: chr9-5765437-T-C.
Other names: c.2865T>C, p.Ser955= (NM_001135920.4); c.2754T>C, p.Ser918= (NM_001206557.2).
Identifiers: ClinVar variation 4872877 (VCV004872877.2).